The following is an entry in ClinVar:

ClinVar aggregate classification (germline): Uncertain significance (1 of 4 stars; one submission).

Submission:

Labcorp Genetics (formerly Invitae), Labcorp
Classification: Uncertain significance. Last evaluated: 2022-02-19. Review status: criteria provided, single submitter. Criteria: Invitae Variant Classification Sherloc (09022015). Collection method: clinical testing. Allele origin: germline.
Comment: In summary, the available evidence is currently insufficient to determine the role of this variant in disease. Therefore, it has been classified as a Variant of Uncertain Significance. Algorithms developed to predict the effect of missense changes on protein structure and function (SIFT, PolyPhen-2, Align-GVGD) all suggest that this variant is likely to be disruptive. This variant has not been reported in the literature in individuals affected with WNT5A-related conditions. This variant is not present in population databases (gnomAD no frequency). This sequence change replaces tyrosine, which is neutral and polar, with cysteine, which is neutral and slightly polar, at codon 188 of the WNT5A protein (p.Tyr188Cys).

NM_003392.7(WNT5A):c.563A>G (p.Tyr188Cys)

Gene: WNT5A (Wnt family member 5A; minus strand). Cytogenetic location: 3p14.3.
Variant type: single nucleotide variant.
Coding change: c.563A>G on transcript NM_003392.7 (MANE Select); coding-DNA position 563, A replaced by G.
Protein change: p.Tyr188Cys; replaces tyrosine 188 with cysteine.
Molecular consequence: missense variant.
Genome position (GRCh38, 1-based): chr3:55,474,458, T>C on the plus strand (A>G on the coding strand, the complement: WNT5A is on the minus strand). VCF-style: chr3-55474458-T-C. GRCh37 (hg19) VCF-style: chr3-55508486-T-C.
Other names: c.518A>G, p.Tyr173Cys (NM_001256105.1, NM_001377271.1, NM_001377272.1); short protein forms Y173C, Y188C.
Identifiers: ClinVar variation 2099679 (VCV002099679.4), dbSNP rs2471283405, ClinGen allele CA353274922.